The following is an entry in ClinVar:

ClinVar aggregate classification (germline): Uncertain significance (1 of 4 stars; one submission).

Conditions:
Atrioventricular septal defect 5 (AVSD5). Identifiers: MedGen C3280939, MONDO:0013769, OMIM 614474.

gnomAD v4.1: 13 of 1,480,630 alleles (0.00088%); highest among the groups gnomAD compares: East Asian, 0.036%; no homozygotes.

Submission:

Labcorp Genetics (formerly Invitae), Labcorp
Classification: Uncertain significance for Atrioventricular septal defect 5. Last evaluated: 2025-06-14. Review status: criteria provided, single submitter. Criteria: Invitae Variant Classification Sherloc (09022015). Collection method: clinical testing. Allele origin: germline.
Comment: This sequence change replaces glycine, which is neutral and non-polar, with alanine, which is neutral and non-polar, at codon 195 of the GATA6 protein (p.Gly195Ala). This variant is not present in population databases (gnomAD no frequency). This missense change has been observed in individual(s) with a congenital heart defect (PMID: 22498567). ClinVar contains an entry for this variant (Variation ID: 3706863). An algorithm developed to predict the effect of missense changes on protein structure and function (PolyPhen-2) suggests that this variant is likely to be disruptive. In summary, the available evidence is currently insufficient to determine the role of this variant in disease. Therefore, it has been classified as a Variant of Uncertain Significance.

Literature cited by the submitters: PubMed 22498567.

NM_005257.6(GATA6):c.584G>C (p.Gly195Ala)

Gene: GATA6 (GATA binding protein 6; plus strand). Cytogenetic location: 18q11.2.
Variant type: single nucleotide variant.
Coding change: c.584G>C on transcript NM_005257.6 (MANE Select); coding-DNA position 584, G replaced by C.
Protein change: p.Gly195Ala; replaces glycine 195 with alanine.
Molecular consequence: missense variant.
Genome position (GRCh38, 1-based): chr18:22,171,728, G>C. VCF-style: chr18-22171728-G-C. GRCh37 (hg19) VCF-style: chr18-19751689-G-C.
Other names: short protein forms G195A.
Identifiers: ClinVar variation 3706863 (VCV003706863.2).